The following is an entry in ClinVar:

ClinVar aggregate classification (germline): Uncertain significance (1 of 4 stars; one submission).

Conditions:
Charcot-Marie-Tooth disease axonal type 2C (HMSN2C). Also called: CHARCOT-MARIE-TOOTH DISEASE, AXONAL, AUTOSOMAL DOMINANT, TYPE 2C; Charcot-Marie-Tooth Neuropathy Type 2C; Charcot-Marie-Tooth Disease Type 2, TRPV4-Related (CMT2C). Identifiers: Orphanet 99937, MedGen C1853710, MONDO:0011633, OMIM 606071.

Submission:

Labcorp Genetics (formerly Invitae), Labcorp
Classification: Uncertain significance for Charcot-Marie-Tooth disease axonal type 2C. Last evaluated: 2024-04-25. Review status: criteria provided, single submitter. Criteria: Invitae Variant Classification Sherloc (09022015). Collection method: clinical testing. Allele origin: germline.
Comment: This sequence change replaces serine, which is neutral and polar, with arginine, which is basic and polar, at codon 663 of the TRPV4 protein (p.Ser663Arg). This variant is not present in population databases (gnomAD no frequency). This variant has not been reported in the literature in individuals affected with TRPV4-related conditions. ClinVar contains an entry for this variant (Variation ID: 665390). Advanced modeling of protein sequence and biophysical properties (such as structural, functional, and spatial information, amino acid conservation, physicochemical variation, residue mobility, and thermodynamic stability) performed at Invitae indicates that this missense variant is not expected to disrupt TRPV4 protein function with a negative predictive value of 95%. Algorithms developed to predict the effect of sequence changes on RNA splicing suggest that this variant may create or strengthen a splice site. In summary, the available evidence is currently insufficient to determine the role of this variant in disease. Therefore, it has been classified as a Variant of Uncertain Significance.

NM_021625.5(TRPV4):c.1989C>G (p.Ser663Arg)

Gene: TRPV4 (transient receptor potential cation channel subfamily V member 4; minus strand). Cytogenetic location: 12q24.11.
Variant type: single nucleotide variant.
Coding change: c.1989C>G on transcript NM_021625.5 (MANE Select); coding-DNA position 1989, C replaced by G.
Protein change: p.Ser663Arg; replaces serine 663 with arginine.
Molecular consequence: missense variant.
Genome position (GRCh38, 1-based): chr12:109,788,619, G>C on the plus strand (C>G on the coding strand, the complement: TRPV4 is on the minus strand). VCF-style: chr12-109788619-G-C. GRCh37 (hg19) VCF-style: chr12-110226424-G-C.
Other names: c.1848C>G, p.Ser616Arg (NM_001177428.2); c.1887C>G, p.Ser629Arg (NM_001177431.2); c.1668C>G, p.Ser556Arg (NM_001177433.2); c.1809C>G, p.Ser603Arg (NM_147204.3); short protein forms S603R, S663R, S616R, S556R, S629R.
Identifiers: ClinVar variation 665390 (VCV000665390.8), dbSNP rs778560334, ClinGen allele CA386650838.